The following is an entry in ClinVar:

ClinVar aggregate classification (germline): Likely benign. Review status: criteria provided, multiple submitters, no conflicts (2 of 4 stars). 2 submissions from 2 submitters: Likely benign (2). Last evaluated 2026-08-19.

Conditions:
TECPR2-related disorder. Also called: TECPR2-related condition.
Hereditary spastic paraplegia 49 (HSAN9). Also called: Spastic paraplegia 49, autosomal recessive; TECPR2-Related Hereditary Sensory and Autonomic Neuropathy with Intellectual Disability; NEUROPATHY, HEREDITARY SENSORY AND AUTONOMIC, TYPE IX, WITH DEVELOPMENTAL DELAY. Identifiers: Orphanet 320385, MedGen C5190860, MONDO:0014016, OMIM 615031.

Allele frequency attached by ClinVar (database versions not stated): gnomAD exomes below 0.00001; gnomAD 0.00001; TOPMed 0.00001.
gnomAD v4.1: 4 of 1,614,108 alleles (0.00025%); highest among the groups gnomAD compares: East Asian, 0.0089%; no homozygotes.

Submissions (2):

PreventionGenetics, part of Exact Sciences
Classification: Likely benign for TECPR2-related condition. Last evaluated: 2026-08-19. Review status: criteria provided, single submitter. Criteria: ACMG Guidelines, 2015. Collection method: clinical testing. Allele origin: germline.
Comment: This variant is classified as likely benign based on ACMG/AMP sequence variant interpretation guidelines (Richards et al. 2015 PMID: 25741868, with internal and published modifications).

Labcorp Genetics (formerly Invitae), Labcorp
Classification: Likely benign for Hereditary spastic paraplegia 49. Last evaluated: 2023-09-23. Review status: criteria provided, single submitter. Criteria: Invitae Variant Classification Sherloc (09022015). Collection method: clinical testing. Allele origin: germline.

NM_014844.5(TECPR2):c.723G>A (p.Arg241=)

Gene: TECPR2 (tectonin beta-propeller repeat containing 2; plus strand). Cytogenetic location: 14q32.31.
Variant type: single nucleotide variant.
Coding change: c.723G>A on transcript NM_014844.5 (MANE Select); coding-DNA position 723, G replaced by A.
Protein change: p.Arg241=; no amino-acid change (arginine 241 retained).
Molecular consequence: synonymous variant.
Genome position (GRCh38, 1-based): chr14:102,425,063, G>A. VCF-style: chr14-102425063-G-A. GRCh37 (hg19) VCF-style: chr14-102891400-G-A.
Other names: c.723G>A, p.Arg241= (NM_001172631.3); c.723G>A (NM_014844.4).
Identifiers: ClinVar variation 792739 (VCV000792739.12), dbSNP rs1394884840, ClinGen allele CA488190425.